The following is an entry in ClinVar:

NM_024675.4(PALB2):c.2963A>C (p.Gln988Pro)

Gene: PALB2 (partner and localizer of BRCA2; minus strand). Cytogenetic location: 16p12.2.
Variant type: single nucleotide variant.
Coding change: c.2963A>C on transcript NM_024675.4 (MANE Select); coding-DNA position 2963, A replaced by C.
Protein change: p.Gln988Pro; replaces glutamine 988 with proline.
Molecular consequence: missense variant.
Genome position (GRCh38, 1-based): chr16:23,623,002, T>G on the plus strand (A>C on the coding strand, the complement: PALB2 is on the minus strand). VCF-style: chr16-23623002-T-G. GRCh37 (hg19) VCF-style: chr16-23634323-T-G.
Other names: short protein forms Q988P.
Identifiers: ClinVar variation 1318682 (VCV001318682.5), dbSNP rs1966799521, ClinGen allele CA395143992.
Genomic context (GRCh38, chr16:23,623,002, plus strand): 5'-TTAAAAATCAATCAATGCTTTTCTTACCCTCCATCTTCTGCAAACGTCATGACTTCTACT[T>G]GTTGATCAGAAAGGGTCCCACTGCTACTAACTAGCCTCCTCTTTGTCAGGCCAAGCACAG-3'
Protein context (NP_078951.2, residues 978-998): VSSSGTLSDQ[Gln988Pro]VEVMTFAEDG

ClinVar aggregate classification (germline): Uncertain significance. Review status: criteria provided, multiple submitters, no conflicts (2 of 4 stars). 2 submissions from 2 submitters: Uncertain significance (2). Last evaluated 2026-01-18.

Conditions:
Familial cancer of breast. Also called: Hereditary breast cancer; hereditary breast carcinoma; BREAST CANCER, FAMILIAL. Identifiers: Orphanet 227535, MedGen C0346153, MONDO:0016419, OMIM 114480. Disease mechanism: loss of function.

Submissions (2):

Labcorp Genetics (formerly Invitae), Labcorp
Classification: Uncertain significance for Familial cancer of breast. Last evaluated: 2026-01-18. Review status: criteria provided, single submitter. Criteria: Invitae Variant Classification Sherloc (09022015). Collection method: clinical testing. Allele origin: germline.
Comment: This sequence change replaces glutamine, which is neutral and polar, with proline, which is neutral and non-polar, at codon 988 of the PALB2 protein (p.Gln988Pro). This variant is not present in population databases (gnomAD no frequency). This variant has not been reported in the literature in individuals affected with PALB2-related conditions. ClinVar contains an entry for this variant (Variation ID: 1318682). Invitae Evidence Modeling of protein sequence and biophysical properties (such as structural, functional, and spatial information, amino acid conservation, physicochemical variation, residue mobility, and thermodynamic stability) indicates that this missense variant is expected to disrupt PALB2 protein function with a positive predictive value of 80%. In summary, the available evidence is currently insufficient to determine the role of this variant in disease. Therefore, it has been classified as a Variant of Uncertain Significance.

GeneDx
Classification: Uncertain significance. Last evaluated: 2019-12-03. Review status: criteria provided, single submitter. Criteria: GeneDx Variant Classification Process June 2021. Collection method: clinical testing. Allele origin: germline. Affected: yes.
Comment: Not observed in large population cohorts (Lek 2016); In silico analysis, which includes protein predictors and evolutionary conservation, supports a deleterious effect; Has not been previously published as pathogenic or benign to our knowledge